The following is an entry in ClinVar:

ClinVar aggregate classification (germline): Uncertain significance. Review status: criteria provided, multiple submitters, no conflicts (2 of 4 stars). 4 submissions from 4 submitters: Uncertain significance (4). Last evaluated 2026-06-16.

Conditions:
PKD1L1-related disorder. Also called: PKD1L1-related condition.
Inborn genetic diseases. Identifiers: MedGen C0950123, MeSH D030342.

Allele frequency attached by ClinVar (database versions not stated): gnomAD 0.00001; TOPMed 0.00002; ExAC 0.00005.
gnomAD v4.1: 21 of 1,609,878 alleles (0.0013%); highest among the groups gnomAD compares: East Asian, 0.0089%; no homozygotes.

Submissions (4):

PreventionGenetics, part of Exact Sciences
Classification: Uncertain significance for PKD1L1-related condition. Last evaluated: 2026-06-16. Review status: criteria provided, single submitter. Criteria: ACMG Guidelines, 2015. Collection method: clinical testing. Allele origin: germline.
Comment: The PKD1L1 c.5669G>A variant is predicted to result in the amino acid substitution p.Gly1890Asp. To our knowledge, this variant has not been reported in the literature. This variant is reported in 0.011% of alleles in individuals of East Asian descent in gnomAD. At this time, the clinical significance of this variant is uncertain due to the absence of conclusive functional and genetic evidence.

Blueprint Genetics
Classification: Uncertain significance. Last evaluated: 2024-11-01. Review status: criteria provided, single submitter. Criteria: ACMG Guidelines, 2015. Collection method: clinical testing. Allele origin: germline.

Ambry Genetics
Classification: Uncertain significance for Inborn genetic diseases. Last evaluated: 2024-05-29. Review status: criteria provided, single submitter. Criteria: Ambry Variant Classification Scheme 2023. Collection method: clinical testing. Allele origin: germline.

Labcorp Genetics (formerly Invitae), Labcorp
Classification: Uncertain significance. Last evaluated: 2022-03-18. Review status: criteria provided, single submitter. Criteria: Invitae Variant Classification Sherloc (09022015). Collection method: clinical testing. Allele origin: germline.
Comment: This sequence change replaces glycine, which is neutral and non-polar, with aspartic acid, which is acidic and polar, at codon 1890 of the PKD1L1 protein (p.Gly1890Asp). This variant is present in population databases (rs774177932, gnomAD 0.006%). This variant has not been reported in the literature in individuals affected with PKD1L1-related conditions. Algorithms developed to predict the effect of missense changes on protein structure and function (SIFT, PolyPhen-2, Align-GVGD) all suggest that this variant is likely to be tolerated. In summary, the available evidence is currently insufficient to determine the role of this variant in disease. Therefore, it has been classified as a Variant of Uncertain Significance.

NM_138295.5(PKD1L1):c.5669G>A (p.Gly1890Asp)

Gene: PKD1L1 (polycystin 1 like 1, transient receptor potential channel interacting; minus strand). Cytogenetic location: 7p12.3.
Variant type: single nucleotide variant.
Coding change: c.5669G>A on transcript NM_138295.5 (MANE Select); coding-DNA position 5669, G replaced by A.
Protein change: p.Gly1890Asp; replaces glycine 1890 with aspartic acid.
Molecular consequence: missense variant.
Genome position (GRCh38, 1-based): chr7:47,839,546, C>T on the plus strand (G>A on the coding strand, the complement: PKD1L1 is on the minus strand). VCF-style: chr7-47839546-C-T. GRCh37 (hg19) VCF-style: chr7-47879144-C-T.
Other names: c.5669G>A (NM_138295.3); short protein forms G1890D.
Identifiers: ClinVar variation 2054796 (VCV002054796.7), dbSNP rs774177932, ClinGen allele CA4252782.
Genomic context (GRCh38, chr7:47,839,546, plus strand): 5'-CGCTCCACGCGACCATCATGCCTGCCGGCAGACAGCCAGCACTGGGCAGGGAAGAACCAG[C>T]CCTGTCCCGTGTGCAGCTCCTTCACCATCACGTGGCTGATGAACCAGCCTGGGGAAGGCC-3'
Protein context (NP_612152.1, residues 1880-1900): VMVKELHTGQ[Gly1890Asp]WFFPAQCWLS